The following is an entry in ClinVar:

NM_207352.4(CYP4V2):c.1158G>T (p.Lys386Asn)

Gene: CYP4V2 (cytochrome P450 family 4 subfamily V member 2; plus strand). Cytogenetic location: 4q35.2.
Variant type: single nucleotide variant.
Coding change: c.1158G>T on transcript NM_207352.4 (MANE Select); coding-DNA position 1158, G replaced by T.
Protein change: p.Lys386Asn; replaces lysine 386 with asparagine.
Molecular consequence: missense variant.
Genome position (GRCh38, 1-based): chr4:186,208,932, G>T. VCF-style: chr4-186208932-G-T. GRCh37 (hg19) VCF-style: chr4-187130086-G-T.
Other names: short protein forms K386N.
Identifiers: ClinVar variation 1463215 (VCV001463215.6), dbSNP rs2126600684, ClinGen allele CA358950199.

ClinVar aggregate classification (germline): Uncertain significance (1 of 4 stars; one submission).

Submission:

Labcorp Genetics (formerly Invitae), Labcorp
Classification: Uncertain significance. Last evaluated: 2022-03-09. Review status: criteria provided, single submitter. Criteria: Invitae Variant Classification Sherloc (09022015). Collection method: clinical testing. Allele origin: germline.
Comment: In summary, the available evidence is currently insufficient to determine the role of this variant in disease. Therefore, it has been classified as a Variant of Uncertain Significance. Algorithms developed to predict the effect of sequence changes on RNA splicing suggest that this variant may create or strengthen a splice site. Algorithms developed to predict the effect of missense changes on protein structure and function are either unavailable or do not agree on the potential impact of this missense change (SIFT: "Deleterious"; PolyPhen-2: "Probably Damaging"; Align-GVGD: "Class C0"). This variant has not been reported in the literature in individuals affected with CYP4V2-related conditions. This variant is not present in population databases (gnomAD no frequency). This sequence change replaces lysine, which is basic and polar, with asparagine, which is neutral and polar, at codon 386 of the CYP4V2 protein (p.Lys386Asn).